The following is an entry in ClinVar:

NM_001201550.3(CFHR4):c.278T>C (p.Val93Ala)

Gene: CFHR4 (complement factor H related 4; plus strand). Cytogenetic location: 1q31.3.
Variant type: single nucleotide variant.
Coding change: c.278T>C on transcript NM_001201550.3 (MANE Select); coding-DNA position 278, T replaced by C.
Protein change: p.Val93Ala; replaces valine 93 with alanine.
Molecular consequence: missense variant. On other transcripts: intron variant (1).
Genome position (GRCh38, 1-based): chr1:196,905,129, T>C. VCF-style: chr1-196905129-T-C. GRCh37 (hg19) VCF-style: chr1-196874259-T-C.
Other names: p.Val92Ala; c.275T>C, p.Val92Ala (NM_001201551.2); c.256+2514T>C (NM_006684.5); short protein forms V92A, V93A.
Identifiers: ClinVar variation 3380385 (VCV003380385.3).

ClinVar aggregate classification (germline): Likely benign. Review status: criteria provided, multiple submitters, no conflicts (2 of 4 stars). 2 submissions from 2 submitters: Likely benign (2). Last evaluated 2026-02-06.

gnomAD v4.1: 642 of 1,601,886 alleles (0.04%); highest among the groups gnomAD compares: African/African-American, 0.72%; 24 homozygotes.

Submissions (2):

Women's Health and Genetics/Laboratory Corporation of America, LabCorp
Classification: Likely benign. Last evaluated: 2026-02-06. Review status: criteria provided, single submitter. Criteria: LabCorp Variant Classification Summary - May 2015. Collection method: clinical testing. Allele origin: germline.
Comment: Variant summary: CFHR4 c.278T>C (p.Val93Ala) results in a non-conservative amino acid change in the encoded protein sequence. Algorithms developed to predict the effect of missense changes on protein structure and function are either unavailable or do not agree on the potential impact of this missense change. The variant allele was found at a frequency of 0.00055 in 239950 control chromosomes, predominantly at a frequency of 0.0073 within the African or African-American subpopulation in the gnomAD database, including 3 homozygotes. The observed variant frequency within African or African-American control individuals in the gnomAD database exceeds the estimated maximal expected allele frequency for disease-causing variants in CFHR4. To our knowledge, no occurrence of c.278T>C in individuals affected with CFHR4-related conditions and no experimental evidence demonstrating its impact on protein function have been reported. ClinVar contains an entry for this variant (Variation ID: 3380385). Based on the evidence outlined above, the variant was classified as likely benign.

Mayo Clinic Laboratories, Mayo Clinic
Classification: Likely benign. Last evaluated: 2024-11-27. Review status: criteria provided, single submitter. Criteria: ACMG Guidelines, 2015. Collection method: clinical testing. Allele origin: germline. Observed: 6 variant alleles.
Comment: BP1, BP4

Literature cited by the submitters: PubMed 33841858 (cited by Mayo Clinic Laboratories, Mayo Clinic).